The following is an entry in ClinVar:

ClinVar aggregate classification (germline): Conflicting classifications of pathogenicity. Review status: criteria provided, conflicting classifications (1 of 4 stars). 7 submissions from 7 submitters: Uncertain significance (5); Likely benign (1). 1 of the submissions does not count toward it. Last evaluated 2025-12-22.

Conditions:
Hereditary cancer-predisposing syndrome. Also called: Tumor predisposition; Hereditary Cancer Syndrome; Hereditary neoplastic syndrome; Neoplastic Syndromes, Hereditary. Identifiers: Orphanet 140162, MedGen C0027672, MeSH D009386, MONDO:0015356.
Ataxia-telangiectasia syndrome (AT). Also called: LOUIS-BAR SYNDROME; Cerebello-oculocutaneous telangiectasia; Immunodeficiency with ataxia telangiectasia; ATAXIA-TELANGIECTASIA, COMPLEMENTATION GROUP A; ATAXIA-TELANGIECTASIA, FRESNO VARIANT; Ataxia-telangiectasia. Identifiers: Orphanet 100, MedGen C0004135, MONDO:0008840, OMIM 208900.

Allele frequency attached by ClinVar (database versions not stated): gnomAD exomes below 0.00001 and 0.00001; ExAC 0.00001; gnomAD 0.00001.
gnomAD v4.1: 6 of 1,613,152 alleles (0.00037%); highest among the groups gnomAD compares: East Asian, 0.013%; no homozygotes.

Submissions (7):

Labcorp Genetics (formerly Invitae), Labcorp
Classification: Uncertain significance for Ataxia-telangiectasia syndrome. Last evaluated: 2025-12-22. Review status: criteria provided, single submitter. Criteria: Invitae Variant Classification Sherloc (09022015). Collection method: clinical testing. Allele origin: germline.
Comment: This sequence change replaces glycine, which is neutral and non-polar, with serine, which is neutral and polar, at codon 1788 of the ATM protein (p.Gly1788Ser). This variant is present in population databases (rs730881373, gnomAD 0.02%). This missense change has been observed in individual(s) with ATM-related conditions (PMID: 35171259). ClinVar contains an entry for this variant (Variation ID: 181965). Invitae Evidence Modeling of protein sequence and biophysical properties (such as structural, functional, and spatial information, amino acid conservation, physicochemical variation, residue mobility, and thermodynamic stability) indicates that this missense variant is not expected to disrupt ATM protein function with a negative predictive value of 95%. In summary, the available evidence is currently insufficient to determine the role of this variant in disease. Therefore, it has been classified as a Variant of Uncertain Significance.

Ambry Genetics
Classification: Likely benign for Hereditary cancer-predisposing syndrome. Last evaluated: 2025-06-12. Review status: criteria provided, single submitter. Criteria: Ambry Variant Classification Scheme 2023. Collection method: clinical testing. Allele origin: germline.

Color Diagnostics, LLC DBA Color Health
Classification: Uncertain significance for Hereditary cancer-predisposing syndrome. Last evaluated: 2024-08-19. Review status: criteria provided, single submitter. Criteria: ACMG Guidelines, 2015. Collection method: clinical testing. Allele origin: germline.
Comment: This missense variant replaces glycine with serine at codon 1788 of the ATM protein. Computational prediction suggests that this variant may not impact protein structure and function. To our knowledge, functional studies have not been reported for this variant. This variant has not been reported in individuals affected with ATM-related disorders in the literature. This variant has been identified in 4/276686 chromosomes in the general population by the Genome Aggregation Database (gnomAD). The available evidence is insufficient to determine the role of this variant in disease conclusively. Therefore, this variant is classified as a Variant of Uncertain Significance.

GeneDx
Classification: Uncertain significance. Last evaluated: 2024-05-10. Review status: criteria provided, single submitter. Criteria: GeneDx Variant Classification Process June 2021. Collection method: clinical testing. Allele origin: germline. Affected: yes.
Comment: In silico analysis indicates that this missense variant does not alter protein structure/function; This variant is associated with the following publications: (PMID: 24951259, 25656989, 30287823, 35585550)

Mendelics
Classification: Uncertain significance for Ataxia-telangiectasia syndrome. Last evaluated: 2019-05-28. Review status: criteria provided, single submitter. Criteria: Mendelics Assertion Criteria 2017. Collection method: clinical testing. Allele origin: unknown.

Women's Health and Genetics/Laboratory Corporation of America, LabCorp
Classification: Uncertain significance. Last evaluated: 2019-04-22. Review status: criteria provided, single submitter. Criteria: LabCorp Variant Classification Summary - May 2015. Collection method: clinical testing. Allele origin: germline.
Comment: Variant summary: ATM c.5362G>A (p.Gly1788Ser) results in a non-conservative amino acid change in the encoded protein sequence. Four of five in-silico tools predict a benign effect of the variant on protein function. The variant allele was found at a frequency of 1.2e-05 in 250948 control chromosomes (gnomAD). The available data on variant occurrences in the general population are insufficient to allow any conclusion about variant significance. To our knowledge, no occurrence of this variant in individuals affected with Ataxia-Telangiectasia and no experimental evidence demonstrating its impact on protein function have been reported. Three clinical diagnostic laboratories have submitted clinical-significance assessments for this variant to ClinVar after 2014 without evidence for independent evaluation and classified the variant as uncertain significance. Based on the evidence outlined above, the variant was classified as uncertain significance.

Natera, Inc.
Classification: Uncertain significance for Ataxia-telangiectasia. Last evaluated: 2020-09-16. Review status: no assertion criteria provided. Collection method: clinical testing. Allele origin: germline. Not counted in ClinVar's aggregate classification.

Literature cited by the submitters: PubMed 35171259 (cited by Labcorp Genetics (formerly Invitae), Labcorp); PubMed 30287823 (cited by Ambry Genetics and Women's Health and Genetics/Laboratory Corporation of America, LabCorp).

NM_000051.4(ATM):c.5362G>A (p.Gly1788Ser)

Gene: ATM (ATM serine/threonine kinase; plus strand). Cytogenetic location: 11q22.3.
Variant type: single nucleotide variant.
Coding change: c.5362G>A on transcript NM_000051.4 (MANE Select); coding-DNA position 5362, G replaced by A.
Protein change: p.Gly1788Ser; replaces glycine 1788 with serine.
Molecular consequence: missense variant.
Genome position (GRCh38, 1-based): chr11:108,302,895, G>A. VCF-style: chr11-108302895-G-A. GRCh37 (hg19) VCF-style: chr11-108173622-G-A.
Other names: p.G1788S:GGC>AGC; c.5362G>A, p.Gly1788Ser (NM_001351834.2); short protein forms G1788S.
Identifiers: ClinVar variation 181965 (VCV000181965.25), dbSNP rs730881373, ClinGen allele CA298269.